The following is an entry in ClinVar:

NM_000051.4(ATM):c.4196C>T (p.Thr1399Ile)

Gene: ATM (ATM serine/threonine kinase; plus strand). Cytogenetic location: 11q22.3.
Variant type: single nucleotide variant.
Coding change: c.4196C>T on transcript NM_000051.4 (MANE Select); coding-DNA position 4196, C replaced by T.
Protein change: p.Thr1399Ile; replaces threonine 1399 with isoleucine.
Molecular consequence: missense variant.
Genome position (GRCh38, 1-based): chr11:108,289,063, C>T. VCF-style: chr11-108289063-C-T. GRCh37 (hg19) VCF-style: chr11-108159790-C-T.
Other names: c.4196C>T, p.Thr1399Ile (NM_001351834.2); short protein forms T1399I.
Identifiers: ClinVar variation 1007530 (VCV001007530.8), dbSNP rs786203761, ClinGen allele CA382530340.
Genomic context (GRCh38, chr11:108,289,063, plus strand): 5'-CTCATTTTCCATCGCATGTGATTAAAGCAACATTTGCCTATATCAGCAATTGTCATAAAA[C>T]CAAGTTAAAAAGCATTTTAGAAATTCTTTCCAAAAGCCCTGTAAGTATACATGATGAGTT-3'
Protein context (NP_000042.3, residues 1389-1409): TFAYISNCHK[Thr1399Ile]KLKSILEILS

ClinVar aggregate classification (germline): Uncertain significance (1 of 4 stars; one submission).

Conditions:
Ataxia-telangiectasia syndrome (AT). Also called: Ataxia-telangiectasia, complementation group D; AT, COMPLEMENTATION GROUP C; ATAXIA-TELANGIECTASIA, COMPLEMENTATION GROUP A; ATAXIA-TELANGIECTASIA, FRESNO VARIANT; Ataxia-telangiectasia; Cerebello-oculocutaneous telangiectasia. Identifiers: Orphanet 100, MedGen C0004135, MONDO:0008840, OMIM 208900.

Submission:

Labcorp Genetics (formerly Invitae), Labcorp
Classification: Uncertain significance for Ataxia-telangiectasia syndrome. Last evaluated: 2020-10-07. Review status: criteria provided, single submitter. Criteria: Invitae Variant Classification Sherloc (09022015). Collection method: clinical testing. Allele origin: germline.
Comment: In summary, the available evidence is currently insufficient to determine the role of this variant in disease. Therefore, it has been classified as a Variant of Uncertain Significance. Advanced modeling of protein sequence and biophysical properties (such as structural, functional, and spatial information, amino acid conservation, physicochemical variation, residue mobility, and thermodynamic stability) performed at Invitae indicates that this missense variant is not expected to disrupt ATM protein function. This variant has not been reported in the literature in individuals with ATM-related conditions. This variant is not present in population databases (ExAC no frequency). This sequence change replaces threonine with isoleucine at codon 1399 of the ATM protein (p.Thr1399Ile). The threonine residue is weakly conserved and there is a moderate physicochemical difference between threonine and isoleucine.